The following is an entry in ClinVar:

NM_002528.7(NTHL1):c.745A>G (p.Lys249Glu)

Gene: NTHL1 (nth like DNA glycosylase 1; minus strand). Cytogenetic location: 16p13.3.
Variant type: single nucleotide variant.
Coding change: c.745A>G on transcript NM_002528.7 (MANE Select); coding-DNA position 745, A replaced by G.
Protein change: p.Lys249Glu; replaces lysine 249 with glutamic acid.
Molecular consequence: missense variant.
Genome position (GRCh38, 1-based): chr16:2,040,179, T>C on the plus strand (A>G on the coding strand, the complement: NTHL1 is on the minus strand). VCF-style: chr16-2040179-T-C. GRCh37 (hg19) VCF-style: chr16-2090180-T-C.
Other names: c.574A>G, p.Lys192Glu (NM_001318193.2); c.415A>G, p.Lys139Glu (NM_001318194.2); short protein forms K139E, K249E, K192E.
Identifiers: ClinVar variation 1760174 (VCV001760174.2), dbSNP rs2150938327, ClinGen allele CA394288952.
Genomic context (GRCh38, chr16:2,040,179, plus strand): 5'-CCACATACTCATACCTAGGCAGCCACTCCTCCAGGGCGGCGCGGGTCTCCTCTGGGGACT[T>C]GGTTGCCTTCTTGGTCCACCTCAGCCTGTTGGCGATTCTGTGCACATGCGTGTCCACTGC-3'
Protein context (NP_002519.2, residues 239-259): NRLRWTKKAT[Lys249Glu]SPEETRAALE

ClinVar aggregate classification (germline): Uncertain significance (1 of 4 stars; one submission).

Conditions:
Hereditary cancer-predisposing syndrome. Also called: Neoplastic Syndromes, Hereditary; Tumor predisposition; Hereditary Cancer Syndrome; Hereditary neoplastic syndrome. Identifiers: Orphanet 140162, MedGen C0027672, MeSH D009386, MONDO:0015356.

Submission:

Ambry Genetics
Classification: Uncertain significance for Hereditary cancer-predisposing syndrome. Last evaluated: 2022-04-04. Review status: criteria provided, single submitter. Criteria: Ambry Variant Classification Scheme 2023. Collection method: clinical testing. Allele origin: germline.
Comment: The p.K257E variant (also known as c.769A>G), located in coding exon 5 of the NTHL1 gene, results from an A to G substitution at nucleotide position 769. The lysine at codon 257 is replaced by glutamic acid, an amino acid with similar properties. This amino acid position is conserved. In addition, the in silico prediction for this alteration is inconclusive. Since supporting evidence is limited at this time, the clinical significance of this alteration remains unclear.